The following is an entry in ClinVar:

NM_020366.4(RPGRIP1):c.2388A>T (p.Glu796Asp)

Gene: RPGRIP1 (RPGR interacting protein 1; plus strand). Cytogenetic location: 14q11.2.
Variant type: single nucleotide variant.
Coding change: c.2388A>T on transcript NM_020366.4 (MANE Select); coding-DNA position 2388, A replaced by T.
Protein change: p.Glu796Asp; replaces glutamic acid 796 with aspartic acid.
Molecular consequence: missense variant. On other transcripts: intron variant (4).
Genome position (GRCh38, 1-based): chr14:21,325,851, A>T. VCF-style: chr14-21325851-A-T. GRCh37 (hg19) VCF-style: chr14-21794010-A-T.
Other names: c.1314A>T, p.Glu438Asp (NM_001377948.1); c.796+1126A>T (NM_001377949.1); c.689-1772A>T (NM_001377523.1, NM_001377950.1); c.191-1772A>T (NM_001377951.1); short protein forms E796D, E438D.
Identifiers: ClinVar variation 2082180 (VCV002082180.5), dbSNP rs764645510, ClinGen allele CA7089249.

ClinVar aggregate classification (germline): Uncertain significance. Review status: criteria provided, multiple submitters, no conflicts (2 of 4 stars). 2 submissions from 2 submitters: Uncertain significance (2). Last evaluated 2022-07-18.

Conditions:
Leber congenital amaurosis 6 (LCA6). Identifiers: Orphanet 65, MedGen C1854260, MONDO:0013446, OMIM 613826.
Cone-rod dystrophy 13 (CORD13). Identifiers: Orphanet 1872, MedGen C2750720, MONDO:0011987, OMIM 608194.

Allele frequency attached by ClinVar (database versions not stated): gnomAD exomes below 0.00001; ExAC 0.00001.
gnomAD v4.1: 2 of 1,612,976 alleles (0.00012%); highest among the groups gnomAD compares: Admixed American, 0.0033%; no homozygotes.

Submissions (2):

Blueprint Genetics
Classification: Uncertain significance. Last evaluated: 2022-07-18. Review status: criteria provided, single submitter. Criteria: ACMG Guidelines, 2015. Collection method: clinical testing. Allele origin: germline.

Labcorp Genetics (formerly Invitae), Labcorp
Classification: Uncertain significance for Leber congenital amaurosis 6; Cone-rod dystrophy 13. Last evaluated: 2022-02-18. Review status: criteria provided, single submitter. Criteria: Invitae Variant Classification Sherloc (09022015). Collection method: clinical testing. Allele origin: germline.
Comment: This variant has not been reported in the literature in individuals affected with RPGRIP1-related conditions. In summary, the available evidence is currently insufficient to determine the role of this variant in disease. Therefore, it has been classified as a Variant of Uncertain Significance. Algorithms developed to predict the effect of missense changes on protein structure and function (SIFT, PolyPhen-2, Align-GVGD) all suggest that this variant is likely to be tolerated. This variant is present in population databases (rs764645510, gnomAD 0.003%). This sequence change replaces glutamic acid, which is acidic and polar, with aspartic acid, which is acidic and polar, at codon 796 of the RPGRIP1 protein (p.Glu796Asp).